The following is an entry in ClinVar:

NM_023110.3(FGFR1):c.1616G>A (p.Gly539Glu)

Gene: FGFR1 (fibroblast growth factor receptor 1; minus strand). Cytogenetic location: 8p11.23.
Variant type: single nucleotide variant.
Coding change: c.1616G>A on transcript NM_023110.3 (MANE Select); coding-DNA position 1616, G replaced by A.
Protein change: p.Gly539Glu; replaces glycine 539 with glutamic acid.
Molecular consequence: missense variant.
Genome position (GRCh38, 1-based): chr8:38,417,353, C>T on the plus strand (G>A on the coding strand, the complement: FGFR1 is on the minus strand). VCF-style: chr8-38417353-C-T. GRCh37 (hg19) VCF-style: chr8-38274871-C-T.
Other names: c.1610G>A, p.Gly537Glu (NM_001174063.2, NM_001174065.2, NM_001354367.2 and 1 more transcripts); c.1586G>A, p.Gly529Glu (NM_001174064.2); c.1349G>A, p.Gly450Glu (NM_001174066.2, NM_023105.3); c.1709G>A, p.Gly570Glu (NM_001174067.2); c.1337G>A, p.Gly446Glu (NM_001354368.2); c.1604G>A, p.Gly535Glu (NM_001354369.2); c.1343G>A, p.Gly448Glu (NM_001354370.2, NM_023106.3); short protein forms G446E, G448E, G450E, G529E, G535E, G537E, G539E, G570E.
Identifiers: ClinVar variation 1306991 (VCV001306991.3), dbSNP rs780953869, ClinGen allele CA4718329.

ClinVar aggregate classification (germline): Uncertain significance. Review status: criteria provided, multiple submitters, no conflicts (2 of 4 stars). 2 submissions from 2 submitters: Uncertain significance (2). Last evaluated 2025-03-24.

Allele frequency attached by ClinVar (database versions not stated): gnomAD exomes below 0.00001 and 0.00001; ExAC 0.00001.
gnomAD v4.1: 4 of 1,614,046 alleles (0.00025%); highest among the groups gnomAD compares: Non-Finnish European, 0.00017%; no homozygotes.

Submissions (2):

Women's Health and Genetics/Laboratory Corporation of America, LabCorp
Classification: Uncertain significance. Last evaluated: 2025-03-24. Review status: criteria provided, single submitter. Criteria: LabCorp Variant Classification Summary - May 2015. Collection method: clinical testing. Allele origin: germline.
Comment: Variant summary: FGFR1 c.1616G>A (p.Gly539Glu) results in a non-conservative amino acid change in the encoded protein sequence. Five of five in-silico tools predict a damaging effect of the variant on protein function. The variant allele was found at a frequency of 8e-06 in 250054 control chromosomes (gnomAD). The available data on variant occurrences in the general population are insufficient to allow any conclusion about variant significance. To our knowledge, no occurrence of c.1616G>A in individuals affected with FGFR1-Related Disorders and no experimental evidence demonstrating its impact on protein function have been reported. ClinVar contains an entry for this variant (Variation ID: 1306991). Based on the evidence outlined above, the variant was classified as uncertain significance.

GeneDx
Classification: Uncertain significance. Last evaluated: 2019-07-15. Review status: criteria provided, single submitter. Criteria: GeneDx Variant Classification Process June 2021. Collection method: clinical testing. Allele origin: germline. Affected: yes.
Comment: Not observed at a significant frequency in large population cohorts (Lek et al., 2016); In silico analysis, which includes protein predictors and evolutionary conservation, supports a deleterious effect; Has not been previously published as pathogenic or benign to our knowledge